The following is an entry in ClinVar:

NM_182914.3(SYNE2):c.13814A>C (p.Glu4605Ala)

Gene: SYNE2 (spectrin repeat containing nuclear envelope protein 2; plus strand). Cytogenetic location: 14q23.2.
Variant type: single nucleotide variant.
Coding change: c.13814A>C on transcript NM_182914.3 (MANE Select); coding-DNA position 13814, A replaced by C.
Protein change: p.Glu4605Ala; replaces glutamic acid 4605 with alanine.
Molecular consequence: missense variant.
Genome position (GRCh38, 1-based): chr14:64,126,704, A>C. VCF-style: chr14-64126704-A-C. GRCh37 (hg19) VCF-style: chr14-64593422-A-C.
Other names: c.13814A>C, p.Glu4605Ala (NM_015180.6); short protein forms E4605A.
Identifiers: ClinVar variation 856956 (VCV000856956.8), dbSNP rs766721405, ClinGen allele CA7222580.
Genomic context (GRCh38, chr14:64,126,704, plus strand): 5'-AGAAGGGTGATCTTTTGAAAGCCATGACTTGGCCTGGCGAGAACACCAACTTGCTCCTTG[A>C]ATGTTTTGACAACCTTCAAGTCTGCCTGGAGCACACTCAGGCTGCAGCTGTCTGTAGAAG-3'
Protein context (NP_878918.2, residues 4595-4615): WPGENTNLLL[Glu4605Ala]CFDNLQVCLE

ClinVar aggregate classification (germline): Uncertain significance (1 of 4 stars; one submission).

Conditions:
Emery-Dreifuss muscular dystrophy 5, autosomal dominant (EDMD5). Also called: EMERY-DREIFUSS MUSCULAR DYSTROPHY 5. Identifiers: Orphanet 261, MedGen C2751805, MONDO:0013072, OMIM 612999.

Allele frequency attached by ClinVar (database versions not stated): gnomAD 0.00003 and 0.00004; TOPMed 0.00003; gnomAD exomes 0.00004 and 0.00009; ExAC 0.00015.
gnomAD v4.1: 67 of 1,614,068 alleles (0.0042%); highest among the groups gnomAD compares: Non-Finnish European, 0.0044%; 1 homozygote.

Submission:

Labcorp Genetics (formerly Invitae), Labcorp
Classification: Uncertain significance for Emery-Dreifuss muscular dystrophy 5, autosomal dominant. Last evaluated: 2025-10-02. Review status: criteria provided, single submitter. Criteria: Invitae Variant Classification Sherloc (09022015). Collection method: clinical testing. Allele origin: germline.
Comment: This sequence change replaces glutamic acid, which is acidic and polar, with alanine, which is neutral and non-polar, at codon 4605 of the SYNE2 protein (p.Glu4605Ala). This variant is present in population databases (rs766721405, gnomAD 0.02%). This variant has not been reported in the literature in individuals affected with SYNE2-related conditions. ClinVar contains an entry for this variant (Variation ID: 856956). An algorithm developed to predict the effect of missense changes on protein structure and function (PolyPhen-2) suggests that this variant is likely to be tolerated. In summary, the available evidence is currently insufficient to determine the role of this variant in disease. Therefore, it has been classified as a Variant of Uncertain Significance.